The following is an entry in ClinVar:

NM_017777.4(MKS1):c.1092A>C (p.Ala364=)

Gene: MKS1 (MKS transition zone complex subunit 1; minus strand). Cytogenetic location: 17q22.
Variant type: single nucleotide variant.
Coding change: c.1092A>C on transcript NM_017777.4 (MANE Select); coding-DNA position 1092, A replaced by C.
Protein change: p.Ala364=; no amino-acid change (alanine 364 retained).
Molecular consequence: synonymous variant.
Genome position (GRCh38, 1-based): chr17:58,208,516, T>G on the plus strand (A>C on the coding strand, the complement: MKS1 is on the minus strand). VCF-style: chr17-58208516-T-G. GRCh37 (hg19) VCF-style: chr17-56285877-T-G.
Other names: c.1092A>C (NM_017777.3); c.483A>C, p.Ala161= (NM_001321268.2); c.1092A>C, p.Ala364= (NM_001321269.2, NM_001330397.2).
Identifiers: ClinVar variation 1637806 (VCV001637806.9), dbSNP rs1379453194, ClinGen allele CA501028706.

ClinVar aggregate classification (germline): Likely benign. Review status: criteria provided, single submitter (1 of 4 stars). 2 submissions from 2 submitters: Likely benign (1). 1 of the submissions does not count toward it. Last evaluated 2023-12-21.

Conditions:
MKS1-related disorder. Also called: MKS1-related condition; MKS1-related disorders. Identifiers: MedGen CN239382.
Joubert syndrome. Also called: Familial aplasia of the vermis; JOUBERT-BOLTSHAUSER SYNDROME. Identifiers: Orphanet 475, MedGen C5979921, MONDO:0018772.
Meckel-Gruber syndrome. Also called: DYSENCEPHALIA SPLANCHNOCYSTICA; Dysencephalia splachnocystica; GRUBER SYNDROME. Identifiers: Orphanet 564, MedGen C0265215, MONDO:0018921.

Allele frequency attached by ClinVar (database versions not stated): gnomAD exomes below 0.00001.
gnomAD v4.1: 1 of 1,613,926 alleles (0.000062%); highest among the groups gnomAD compares: Non-Finnish European, 0.000085%; no homozygotes.

Submissions (2):

Labcorp Genetics (formerly Invitae), Labcorp
Classification: Likely benign for Joubert syndrome; Meckel-Gruber syndrome. Last evaluated: 2023-12-21. Review status: criteria provided, single submitter. Criteria: Invitae Variant Classification Sherloc (09022015). Collection method: clinical testing. Allele origin: germline.

PreventionGenetics, part of Exact Sciences
Classification: Likely benign for MKS1-related condition. Last evaluated: 2023-08-15. Review status: no assertion criteria provided. Collection method: clinical testing. Allele origin: germline. Not counted in ClinVar's aggregate classification.
Comment: This variant is classified as likely benign based on ACMG/AMP sequence variant interpretation guidelines (Richards et al. 2015 PMID: 25741868, with internal and published modifications).